The following is an entry in ClinVar:

NM_024675.4(PALB2):c.1287T>G (p.Ile429Met)

Gene: PALB2 (partner and localizer of BRCA2; minus strand). Cytogenetic location: 16p12.2.
Variant type: single nucleotide variant.
Coding change: c.1287T>G on transcript NM_024675.4 (MANE Select); coding-DNA position 1287, T replaced by G.
Protein change: p.Ile429Met; replaces isoleucine 429 with methionine.
Molecular consequence: missense variant.
Genome position (GRCh38, 1-based): chr16:23,635,259, A>C on the plus strand (T>G on the coding strand, the complement: PALB2 is on the minus strand). VCF-style: chr16-23635259-A-C. GRCh37 (hg19) VCF-style: chr16-23646580-A-C.
Other names: short protein forms I429M.
Identifiers: ClinVar variation 1468824 (VCV001468824.7), dbSNP rs1966979451, ClinGen allele CA395132541.

ClinVar aggregate classification (germline): Uncertain significance (1 of 4 stars; one submission).

Conditions:
Familial cancer of breast. Also called: hereditary breast carcinoma; BREAST CANCER, FAMILIAL; Hereditary breast cancer. Identifiers: Orphanet 227535, MedGen C0346153, MONDO:0016419, OMIM 114480. Disease mechanism: loss of function.

Allele frequency attached by ClinVar (database versions not stated): gnomAD exomes below 0.00001.
gnomAD v4.1: 1 of 1,614,080 alleles (0.000062%); highest among the groups gnomAD compares: Non-Finnish European, 0.000085%; no homozygotes.

Submission:

Labcorp Genetics (formerly Invitae), Labcorp
Classification: Uncertain significance for Familial cancer of breast. Last evaluated: 2021-10-17. Review status: criteria provided, single submitter. Criteria: Invitae Variant Classification Sherloc (09022015). Collection method: clinical testing. Allele origin: germline.
Comment: This variant is not present in population databases (ExAC no frequency). This variant has not been reported in the literature in individuals affected with PALB2-related conditions. This sequence change replaces isoleucine with methionine at codon 429 of the PALB2 protein (p.Ile429Met). The isoleucine residue is highly conserved and there is a small physicochemical difference between isoleucine and methionine. In summary, the available evidence is currently insufficient to determine the role of this variant in disease. Therefore, it has been classified as a Variant of Uncertain Significance. Algorithms developed to predict the effect of missense changes on protein structure and function are either unavailable or do not agree on the potential impact of this missense change (SIFT: "Deleterious"; PolyPhen-2: "Probably Damaging"; Align-GVGD: "Class C0").